The following is an entry in ClinVar:

ClinVar aggregate classification (germline): Uncertain significance (1 of 4 stars; one submission).

Conditions:
Inborn genetic diseases. Identifiers: MedGen C0950123, MeSH D030342.

gnomAD v4.1: 1 of 1,571,272 alleles (0.000064%); highest among the groups gnomAD compares: African/African-American, 0.0013%; no homozygotes.

Submission:

Ambry Genetics
Classification: Uncertain significance for Inborn genetic diseases. Last evaluated: 2024-12-02. Review status: criteria provided, single submitter. Criteria: Ambry Variant Classification Scheme 2023. Collection method: clinical testing. Allele origin: germline.
Comment: The p.H112N variant (also known as c.334C>A), located in coding exon 2 of the GATA2 gene, results from a C to A substitution at nucleotide position 334. The histidine at codon 112 is replaced by asparagine, an amino acid with similar properties. This amino acid position is conserved. In addition, the in silico prediction for this alteration is inconclusive. Based on the available evidence, the clinical significance of this variant remains unclear.

NM_032638.5(GATA2):c.334C>A (p.His112Asn)

Gene: GATA2 (GATA binding protein 2; minus strand). Cytogenetic location: 3q21.3.
Variant type: single nucleotide variant.
Coding change: c.334C>A on transcript NM_032638.5 (MANE Select); coding-DNA position 334, C replaced by A.
Protein change: p.His112Asn; replaces histidine 112 with asparagine.
Molecular consequence: missense variant.
Genome position (GRCh38, 1-based): chr3:128,486,264, G>T on the plus strand (C>A on the coding strand, the complement: GATA2 is on the minus strand). VCF-style: chr3-128486264-G-T. GRCh37 (hg19) VCF-style: chr3-128205107-G-T.
Other names: c.334C>A, p.His112Asn (NM_001145661.2, NM_001145662.1); short protein forms H112N.
Identifiers: ClinVar variation 3519004 (VCV003519004.1).